The following is an entry in ClinVar:

ClinVar aggregate classification (germline): Pathogenic (1 of 4 stars; one submission).

Submission:

GeneDx
Classification: Pathogenic. Last evaluated: 2018-07-12. Review status: criteria provided, single submitter. Criteria: GeneDx Variant Classification (06012015). Collection method: clinical testing. Allele origin: germline. Affected: yes.
Comment: The c.3100_3124del25 variant in the SHANK3 gene has not been reported previously as a pathogenic variant nor as a benign variant, to our knowledge. This variant causes a frameshift starting with codon Alanine 1034, changes this amino acid to an Arginine residue, and creates a premature Stop codon at position 36 of the new reading frame, denoted p.Ala1034ArgfsX36. This variant is predicted to cause loss of normal protein function either through protein truncation or nonsense-mediated mRNA decay. The c.3100_3124del25 variant is not observed in large population cohorts (Lek et al., 2016). We interpret c.3100_3124del25 as a pathogenic variant.

NM_001372044.2(SHANK3):c.3325_3349del (p.Ala1109fs)

Gene: SHANK3 (SH3 and multiple ankyrin repeat domains 3; plus strand). Cytogenetic location: 22q13.33.
Variant type: Deletion.
Coding change: c.3325_3349del on transcript NM_001372044.2 (MANE Select); coding-DNA positions 3325 to 3349, 25 bases deleted (GCCATCGAGGGCAGCGCCCCCGGCG).
Protein change: p.Ala1109fs; shifts the reading frame from alanine 1109.
Molecular consequence: frameshift variant.
Genome position (GRCh38, 1-based): chr22:50,720,933-50,720,957, GCCATCGAGGGCAGCGCCCCCGGCG deleted; deleting any 25 consecutive bases within chr22:50,720,932-50,720,957 gives the same sequence; the c. name uses the placement nearest the transcript's 3' end. VCF-style (leftmost placement, unchanged base first): chr22-50720931-GGGCCATCGAGGGCAGCGCCCCCGGC-G. GRCh37 (hg19) VCF-style: chr22-51159359-GGGCCATCGAGGGCAGCGCCCCCGGC-G.
Other names: c.3100_3124del25 (NM_033517.1); short protein forms A1109fs.
Identifiers: ClinVar variation 817712 (VCV000817712.1), dbSNP rs1603447122, ClinGen allele CA915951508.